The following is an entry in ClinVar:

ClinVar aggregate classification (germline): Likely benign. Review status: criteria provided, multiple submitters, no conflicts (2 of 4 stars). 4 submissions from 4 submitters: Likely benign (4). Last evaluated 2025-12-07.

Conditions:
Hereditary pancreatitis (PCTT). Also called: Hereditary chronic pancreatitis; PRSS1-Related Hereditary Pancreatitis. Identifiers: Orphanet 676, MedGen C0238339, MONDO:0008185, OMIM 167800.
CPA1-related disorder. Also called: CPA1-related condition.

Allele frequency attached by ClinVar (database versions not stated): gnomAD 0.00035 and 0.00038; ESP Exome Variant Server 0.00038; TOPMed 0.00038; ExAC 0.00043; gnomAD exomes 0.00044.
gnomAD v4.1: 759 of 1,613,258 alleles (0.047%); highest among the groups gnomAD compares: Non-Finnish European, 0.046%; 1 homozygote.

Submissions (4):

Labcorp Genetics (formerly Invitae), Labcorp
Classification: Likely benign. Last evaluated: 2025-12-07. Review status: criteria provided, single submitter. Criteria: Invitae Variant Classification Sherloc (09022015). Collection method: clinical testing. Allele origin: germline.

PreventionGenetics, part of Exact Sciences
Classification: Likely benign for CPA1-related condition. Last evaluated: 2025-09-22. Review status: criteria provided, single submitter. Criteria: ACMG Guidelines, 2015. Collection method: clinical testing. Allele origin: germline.
Comment: This variant is classified as likely benign based on ACMG/AMP sequence variant interpretation guidelines (Richards et al. 2015 PMID: 25741868, with internal and published modifications).

Sema4
Classification: Likely benign for Hereditary pancreatitis. Last evaluated: 2021-05-06. Review status: criteria provided, single submitter. Criteria: Sema4 Curation Guidelines. Collection method: curation. Allele origin: germline.

Ambry Genetics
Classification: Likely benign for Hereditary pancreatitis. Last evaluated: 2019-04-03. Review status: criteria provided, single submitter. Criteria: Ambry Variant Classification Scheme 2023. Collection method: clinical testing. Allele origin: germline.

Literature cited by the submitters: PubMed 23955596 (cited by Ambry Genetics); PubMed 26658419 (cited by Ambry Genetics); PubMed 29669919 (cited by Ambry Genetics); PubMed 30045879 (cited by Ambry Genetics).

NM_001868.4(CPA1):c.79C>T (p.Arg27Ter)

Gene: CPA1 (carboxypeptidase A1; plus strand). Cytogenetic location: 7q32.2.
Variant type: single nucleotide variant.
Coding change: c.79C>T on transcript NM_001868.4 (MANE Select); coding-DNA position 79, C replaced by T.
Protein change: p.Arg27Ter; replaces arginine 27 with a stop codon.
Molecular consequence: nonsense.
Genome position (GRCh38, 1-based): chr7:130,381,111, C>T. VCF-style: chr7-130381111-C-T. GRCh37 (hg19) VCF-style: chr7-130020952-C-T.
Other names: short protein forms R27*.
Identifiers: ClinVar variation 734818 (VCV000734818.16), dbSNP rs141209213, ClinGen allele CA4484673.